The following is an entry in ClinVar:

NM_001146344.3(PRAMEF11):c.1014C>T (p.Tyr338=)

Gene: PRAMEF11 (PRAME family member 11; minus strand). Cytogenetic location: 1p36.21.
Variant type: single nucleotide variant.
Coding change: c.1014C>T on transcript NM_001146344.3 (MANE Select); coding-DNA position 1014, C replaced by T.
Protein change: p.Tyr338=; no amino-acid change (tyrosine 338 retained).
Molecular consequence: synonymous variant.
Genome position (GRCh38, 1-based): chr1:12,825,365, G>A on the plus strand (C>T on the coding strand, the complement: PRAMEF11 is on the minus strand). VCF-style: chr1-12825365-G-A. GRCh37 (hg19) VCF-style: chr1-12885223-G-A.
Identifiers: ClinVar variation 2638262 (VCV002638262.24), dbSNP rs199850177, ClinGen allele CA606947.

ClinVar aggregate classification (germline): Likely benign (1 of 4 stars; one submission).

Allele frequency attached by ClinVar (database versions not stated): 1000 Genomes Project 0.00120.

Submission:

CeGaT Center for Human Genetics Tuebingen
Classification: Likely benign. Last evaluated: 2026-01-01. Review status: criteria provided, single submitter. Criteria: CeGaT Center For Human Genetics Tuebingen Variant Classification Criteria Version 2. Collection method: clinical testing. Allele origin: germline. Affected: yes. Observed: 4 variant alleles.
Comment: PRAMEF11: BP4, BP7